The following is an entry in ClinVar:

NC_000004.12:g.5719249_5719252del

Gene: EVC (EvC ciliary complex subunit 1; plus strand). Cytogenetic location: 4p16.2.
Variant type: Deletion.
Genome position: GRCh38 VCF-style: chr4-5719245-TAGAA-T. GRCh37 (hg19) VCF-style: chr4-5720972-TAGAA-T.
Identifiers: ClinVar variation 2945388 (VCV002945388.3), dbSNP rs2474373415, ClinGen allele CA2740091156.

ClinVar aggregate classification (germline): Pathogenic (1 of 4 stars; one submission).

Conditions:
Curry-Hall syndrome (WAD). Also called: WEYERS ACRODENTAL DYSOSTOSIS. Identifiers: Orphanet 952, MedGen C0457013, MONDO:0008673, OMIM 193530.
Ellis-van Creveld syndrome (EVC). Also called: EVC-Related Ellis-van Creveld Syndrome; EVC2-Related Ellis-van Creveld Syndrome; MESOECTODERMAL DYSPLASIA; Chondroectodermal dysplasia. Identifiers: Orphanet 289, MedGen C0013903, MONDO:0009162, OMIM 225500.

Submission:

Labcorp Genetics (formerly Invitae), Labcorp
Classification: Pathogenic for Curry-Hall syndrome; Ellis-van Creveld syndrome. Last evaluated: 2023-03-20. Review status: criteria provided, single submitter. Criteria: Invitae Variant Classification Sherloc (09022015). Collection method: clinical testing. Allele origin: germline.
Comment: This sequence change creates a premature translational stop signal (p.Lys59Thrfs*56) in the EVC gene. It is expected to result in an absent or disrupted protein product. Loss-of-function variants in EVC are known to be pathogenic (PMID: 23220543). This variant is not present in population databases (gnomAD no frequency). This variant has not been reported in the literature in individuals affected with EVC-related conditions. Algorithms developed to predict the effect of sequence changes on RNA splicing suggest that this variant may disrupt the consensus splice site. For these reasons, this variant has been classified as Pathogenic.

Literature cited by the submitters: PubMed 23220543.